The following is an entry in ClinVar:

ClinVar aggregate classification (germline): Conflicting classifications of pathogenicity. Review status: criteria provided, conflicting classifications (1 of 4 stars). 3 submissions from 3 submitters: Uncertain significance (2); Likely benign (1). Last evaluated 2026-01-19.

Conditions:
Nephrolithiasis/nephrocalcinosis. Identifiers: MedGen CN580796.
Epilepsy, idiopathic generalized, susceptibility to, 8. Identifiers: MedGen C2752062, MONDO:0013032, OMIM 612899.
Autosomal dominant hypocalcemia 1 (HYPOC1). Also called: HYPOCALCEMIA, FAMILIAL. Identifiers: MedGen C3715128, MONDO:0011013, OMIM 601198.
Familial hypocalciuric hypercalcemia 1. Also called: Hypercalcemia, familial benign type 1. Identifiers: Orphanet 405, Orphanet 93372, MedGen C0342637, MONDO:0007791, OMIM 145980.
Neonatal severe primary hyperparathyroidism. Identifiers: Orphanet 417, MedGen C1832615, MONDO:0009397, OMIM 239200.
Familial hypocalciuric hypercalcemia (FHH). Also called: Familial benign hypercalcemia. Identifiers: Orphanet 405, MedGen C1809471, MONDO:0018458.

Allele frequency attached by ClinVar (database versions not stated): gnomAD exomes below 0.00001; TOPMed 0.00001.
gnomAD v4.1: 1 of 1,614,220 alleles (0.000062%); highest among the groups gnomAD compares: Non-Finnish European, 0.000085%; no homozygotes.

Submissions (3):

Labcorp Genetics (formerly Invitae), Labcorp
Classification: Likely benign for Familial hypocalciuric hypercalcemia; Autosomal dominant hypocalcemia 1. Last evaluated: 2026-01-19. Review status: criteria provided, single submitter. Criteria: Invitae Variant Classification Sherloc (09022015). Collection method: clinical testing. Allele origin: germline.

Ambry Genetics
Classification: Uncertain significance for Nephrolithiasis/nephrocalcinosis. Last evaluated: 2023-09-09. Review status: criteria provided, single submitter. Criteria: Ambry Variant Classification Scheme 2023. Collection method: clinical testing. Allele origin: germline.
Comment: The p.E378K variant (also known as c.1132G>A), located in coding exon 3 of the CASR gene, results from a G to A substitution at nucleotide position 1132. The glutamic acid at codon 378 is replaced by lysine, an amino acid with similar properties. This amino acid position is conserved. In addition, this alteration is predicted to be tolerated by in silico analysis. Since supporting evidence is limited at this time, the clinical significance of this alteration remains unclear.

Fulgent Genetics
Classification: Uncertain significance for Familial hypocalciuric hypercalcemia 1; Neonatal severe primary hyperparathyroidism; Autosomal dominant hypocalcemia 1; Epilepsy, idiopathic generalized, susceptibility to, 8. Last evaluated: 2021-12-15. Review status: criteria provided, single submitter. Criteria: ACMG Guidelines, 2015. Collection method: clinical testing. Allele origin: unknown.

NM_000388.4(CASR):c.1132G>A (p.Glu378Lys)

Gene: CASR (calcium sensing receptor; plus strand). Cytogenetic location: 3q21.1.
Variant type: single nucleotide variant.
Coding change: c.1132G>A on transcript NM_000388.4 (MANE Select); coding-DNA position 1132, G replaced by A.
Protein change: p.Glu378Lys; replaces glutamic acid 378 with lysine.
Molecular consequence: missense variant.
Genome position (GRCh38, 1-based): chr3:122,262,167, G>A. VCF-style: chr3-122262167-G-A. GRCh37 (hg19) VCF-style: chr3-121981014-G-A.
Other names: c.1132G>A, p.Glu378Lys (NM_001178065.2); short protein forms E378K.
Identifiers: ClinVar variation 844183 (VCV000844183.13), dbSNP rs201338034, ClinGen allele CA82738897.